The following is an entry in ClinVar:

NM_000038.6(APC):c.635A>G (p.Lys212Arg)

Gene: APC (APC regulator of Wnt signaling pathway; plus strand). Cytogenetic location: 5q22.2.
Variant type: single nucleotide variant.
Coding change: c.635A>G on transcript NM_000038.6 (MANE Select); coding-DNA position 635, A replaced by G.
Protein change: p.Lys212Arg; replaces lysine 212 with arginine.
Molecular consequence: missense variant. On other transcripts: 5 prime UTR variant (1).
Genome position (GRCh38, 1-based): chr5:112,780,893, A>G. VCF-style: chr5-112780893-A-G. GRCh37 (hg19) VCF-style: chr5-112116590-A-G.
Other names: c.635A>G, p.Lys212Arg (NM_001127510.3, NM_001354895.2, NM_001354896.2 and 2 more transcripts); c.665A>G, p.Lys222Arg (NM_001127511.3, NM_001354897.2, NM_001354902.2); c.560A>G, p.Lys187Arg (NM_001354898.2, NM_001354904.2); c.458A>G, p.Lys153Arg (NM_001354900.2, NM_001354901.2, NM_001354905.2); c.-401A>G (NM_001354906.2); short protein forms K153R, K187R, K212R, K222R.
Identifiers: ClinVar variation 1332106 (VCV001332106.6), dbSNP rs2149641057, ClinGen allele CA16022730.
Genomic context (GRCh38, chr5:112,780,893, plus strand): 5'-AAGCAAGGCAAATCAGAGTTGCGATGGAAGAACAACTAGGTACCTGCCAGGATATGGAAA[A>G]ACGAGCACAGGTAAGTTACTTGTTTCTAAGTGATAAAACAGCGAAGAGCTATTAGGAATA-3'
Protein context (NP_000029.2, residues 202-222): EQLGTCQDME[Lys212Arg]RAQRRIARIQ

ClinVar aggregate classification (germline): Uncertain significance. Review status: criteria provided, multiple submitters, no conflicts (2 of 4 stars). 3 submissions from 3 submitters: Uncertain significance (3). Last evaluated 2025-07-19.

Conditions:
Familial adenomatous polyposis 1 (FAP1). Also called: POLYPOSIS, ADENOMATOUS INTESTINAL; FAMILIAL ADENOMATOUS POLYPOSIS 1, ATTENUATED. Identifiers: MedGen C2713442, MONDO:0021056, OMIM 175100. Disease mechanism: loss of function.
Hereditary cancer-predisposing syndrome. Also called: Tumor predisposition; Hereditary Cancer Syndrome; Neoplastic Syndromes, Hereditary; Hereditary neoplastic syndrome. Identifiers: Orphanet 140162, MedGen C0027672, MeSH D009386, MONDO:0015356.

Submissions (3):

Labcorp Genetics (formerly Invitae), Labcorp
Classification: Uncertain significance for Familial adenomatous polyposis 1. Last evaluated: 2025-07-19. Review status: criteria provided, single submitter. Criteria: Invitae Variant Classification Sherloc (09022015). Collection method: clinical testing. Allele origin: germline.
Comment: This sequence change replaces lysine, which is basic and polar, with arginine, which is basic and polar, at codon 212 of the APC protein (p.Lys212Arg). This variant is not present in population databases (gnomAD no frequency). This variant has not been reported in the literature in individuals affected with APC-related conditions. ClinVar contains an entry for this variant (Variation ID: 1332106). Invitae Evidence Modeling of protein sequence and biophysical properties (such as structural, functional, and spatial information, amino acid conservation, physicochemical variation, residue mobility, and thermodynamic stability) indicates that this missense variant is not expected to disrupt APC protein function with a negative predictive value of 95%. In summary, the available evidence is currently insufficient to determine the role of this variant in disease. Therefore, it has been classified as a Variant of Uncertain Significance.

Ambry Genetics
Classification: Uncertain significance for Hereditary cancer-predisposing syndrome. Last evaluated: 2025-02-03. Review status: criteria provided, single submitter. Criteria: Ambry Variant Classification Scheme 2023. Collection method: clinical testing. Allele origin: germline.
Comment: The p.K212R variant (also known as c.635A>G), located in coding exon 5 of the APC gene, results from an A to G substitution at nucleotide position 635. The lysine at codon 212 is replaced by arginine, an amino acid with highly similar properties. This amino acid position is well conserved in available vertebrate species. In addition, in silico predictors for this gene do not accurately predict pathogenicity. Missense alterations in APC are not a common cause of disease (Spier I et al. Genet Med. 2024 Feb;26(2):100992). Based on the available evidence, the clinical significance of this variant remains unclear.

Color Diagnostics, LLC DBA Color Health
Classification: Uncertain significance for Hereditary cancer-predisposing syndrome. Last evaluated: 2021-04-19. Review status: criteria provided, single submitter. Criteria: ACMG Guidelines, 2015. Collection method: clinical testing. Allele origin: germline.
Comment: This missense variant replaces lysine with arginine at codon 212 of the APC protein. Computational prediction suggests that this variant may not impact protein structure and function (internally defined REVEL score threshold <= 0.5, PMID: 27666373). To our knowledge, functional studies have not been reported for this variant. This variant has not been reported in individuals affected with hereditary cancer in the literature. This variant has not been identified in the general population by the Genome Aggregation Database (gnomAD). The available evidence is insufficient to determine the role of this variant in disease conclusively. Therefore, this variant is classified as a Variant of Uncertain Significance.